The following is an entry in ClinVar:

ClinVar aggregate classification (germline): Uncertain significance (1 of 4 stars; one submission).

Conditions:
Arrhythmogenic cardiomyopathy with wooly hair and keratoderma. Also called: PALMOPLANTAR KERATODERMA WITH LEFT VENTRICULAR CARDIOMYOPATHY AND WOOLLY HAIR; Carvajal syndrome; Arrhythmogenic cardiomyopathy with woolly hair and keratoderma; Dilated cardiomyopathy with woolly hair and keratoderma. Identifiers: Orphanet 65282, MedGen C1854063, MONDO:0011581, OMIM 605676.
Arrhythmogenic right ventricular dysplasia 8 (ARVD8). Also called: Arrhythmogenic Right Ventricular Dysplasia/Cardiomyopathy 8; ARRHYTHMOGENIC RIGHT VENTRICULAR DYSPLASIA, FAMILIAL, 8; ARRHYTHMOGENIC RIGHT VENTRICULAR CARDIOMYOPATHY 8. Identifiers: MedGen C1843896, MONDO:0011831, OMIM 607450.

gnomAD v4.1: 1 of 1,614,196 alleles (0.000062%); highest among the groups gnomAD compares: Non-Finnish European, 0.000085%; no homozygotes.

Submission:

Labcorp Genetics (formerly Invitae), Labcorp
Classification: Uncertain significance for Arrhythmogenic cardiomyopathy with wooly hair and keratoderma; Arrhythmogenic right ventricular dysplasia 8. Last evaluated: 2023-10-18. Review status: criteria provided, single submitter. Criteria: Invitae Variant Classification Sherloc (09022015). Collection method: clinical testing. Allele origin: germline.
Comment: This sequence change replaces threonine, which is neutral and polar, with asparagine, which is neutral and polar, at codon 2569 of the DSP protein (p.Thr2569Asn). This variant is not present in population databases (gnomAD no frequency). This variant has not been reported in the literature in individuals affected with DSP-related conditions. Algorithms developed to predict the effect of missense changes on protein structure and function output the following: SIFT: "Not Available"; PolyPhen-2: "Benign"; Align-GVGD: "Not Available". The asparagine amino acid residue is found in multiple mammalian species, which suggests that this missense change does not adversely affect protein function. In summary, the available evidence is currently insufficient to determine the role of this variant in disease. Therefore, it has been classified as a Variant of Uncertain Significance.

NM_004415.4(DSP):c.7706C>A (p.Thr2569Asn)

Gene: DSP (desmoplakin; plus strand). Cytogenetic location: 6p24.3.
Variant type: single nucleotide variant.
Coding change: c.7706C>A on transcript NM_004415.4 (MANE Select); coding-DNA position 7706, C replaced by A.
Protein change: p.Thr2569Asn; replaces threonine 2569 with asparagine.
Molecular consequence: missense variant.
Genome position (GRCh38, 1-based): chr6:7,584,968, C>A. VCF-style: chr6-7584968-C-A. GRCh37 (hg19) VCF-style: chr6-7585201-C-A.
Other names: c.5909C>A, p.Thr1970Asn (NM_001008844.3); c.6377C>A, p.Thr2126Asn (NM_001319034.2); short protein forms T2569N, T1970N, T2126N.
Identifiers: ClinVar variation 2931014 (VCV002931014.3), dbSNP rs770464104, ClinGen allele CA362693599.